The following is an entry in ClinVar:

ClinVar aggregate classification (germline): Uncertain significance (1 of 4 stars; one submission).

Conditions:
Fanconi anemia (FA). Also called: Fanconi's anemia. Identifiers: Orphanet 84, MedGen C0015625, MeSH D005199, MONDO:0019391.

Submission:

Labcorp Genetics (formerly Invitae), Labcorp
Classification: Uncertain significance for Fanconi anemia. Last evaluated: 2021-05-28. Review status: criteria provided, single submitter. Criteria: Invitae Variant Classification Sherloc (09022015). Collection method: clinical testing. Allele origin: germline.
Comment: In summary, the available evidence is currently insufficient to determine the role of this variant in disease. Therefore, it has been classified as a Variant of Uncertain Significance. Algorithms developed to predict the effect of missense changes on protein structure and function are either unavailable or do not agree on the potential impact of this missense change (SIFT: "Deleterious"; PolyPhen-2: "Benign"; Align-GVGD: "Class C0"). This variant has not been reported in the literature in individuals with FANCM-related conditions. This variant is not present in population databases (ExAC no frequency). This sequence change replaces histidine with arginine at codon 638 of the FANCM protein (p.His638Arg). The histidine residue is highly conserved and there is a small physicochemical difference between histidine and arginine.

NM_020937.4(FANCM):c.1913A>G (p.His638Arg)

Gene: FANCM (FA complementation group M; plus strand). Cytogenetic location: 14q21.2.
Variant type: single nucleotide variant.
Coding change: c.1913A>G on transcript NM_020937.4 (MANE Select); coding-DNA position 1913, A replaced by G.
Protein change: p.His638Arg; replaces histidine 638 with arginine.
Molecular consequence: missense variant.
Genome position (GRCh38, 1-based): chr14:45,167,074, A>G. VCF-style: chr14-45167074-A-G. GRCh37 (hg19) VCF-style: chr14-45636277-A-G.
Other names: c.1835A>G, p.His612Arg (NM_001308133.2); c.1913A>G, p.His638Arg (NM_001308134.2); short protein forms H638R, H612R.
Identifiers: ClinVar variation 1417908 (VCV001417908.8), dbSNP rs2139214853, ClinGen allele CA389595044.